The following is an entry in ClinVar:

NM_201631.4(TGM5):c.1106-7C>T

Gene: TGM5 (transglutaminase 5; minus strand). Cytogenetic location: 15q15.2.
Variant type: single nucleotide variant.
Coding change: c.1106-7C>T on transcript NM_201631.4 (MANE Select); 7 bases into the intron before coding-DNA position 1106, C replaced by T.
Molecular consequence: intron variant.
Genome position (GRCh38, 1-based): chr15:43,239,063, G>A on the plus strand (C>T on the coding strand, the complement: TGM5 is on the minus strand). VCF-style: chr15-43239063-G-A. GRCh37 (hg19) VCF-style: chr15-43531261-G-A.
Other names: c.860-7C>T (NM_004245.4).
Identifiers: ClinVar variation 316048 (VCV000316048.9), dbSNP rs113249183, ClinGen allele CA7521055.
Genomic context (GRCh38, chr15:43,239,063, plus strand): 5'-CCACTTCTCCTTCTTTGATGGCTCTGACAGAGGCAGGGCCACAGCAGTAGACGCCTGAAG[G>A]AGAACAGGGGAGCCTCGGTGGGCTGTTTGTTGCAGGGCTGGGCAGGGGTGGGGTGCTTTC-3'

ClinVar aggregate classification (germline): Benign. Review status: criteria provided, multiple submitters, no conflicts (2 of 4 stars). 2 submissions from 2 submitters: Benign (2). Last evaluated 2019-12-31.

Conditions:
Acral peeling skin syndrome. Also called: Peeling skin syndrome 2. Identifiers: Orphanet 263534, MedGen C1853354, MONDO:0012345, OMIM 609796.

Allele frequency attached by ClinVar (database versions not stated): gnomAD exomes 0.00120 and 0.00351; ExAC 0.00423; 1000 Genomes Project 0.01278; 1000 Genomes Project 30x 0.01405; gnomAD 0.01412 and 0.01507; TOPMed 0.01555; ESP Exome Variant Server 0.01700.

Submissions (2):

Labcorp Genetics (formerly Invitae), Labcorp
Classification: Benign. Last evaluated: 2019-12-31. Review status: criteria provided, single submitter. Criteria: Invitae Variant Classification Sherloc (09022015). Collection method: clinical testing. Allele origin: germline.

Illumina Laboratory Services, Illumina
Classification: Benign for Acral peeling skin syndrome. Last evaluated: 2018-01-13. Review status: criteria provided, single submitter. Criteria: ICSL Variant Classification Criteria 13 December 2019. Collection method: clinical testing. Allele origin: germline.
Comment: This variant was observed in the ICSL laboratory as part of a predisposition screen in an ostensibly healthy population. It had not been previously curated by ICSL or reported in the Human Gene Mutation Database (HGMD: prior to June 1st, 2018), and was therefore a candidate for classification through an automated scoring system. Utilizing variant allele frequency, disease prevalence and penetrance estimates, and inheritance mode, an automated score was calculated to assess if this variant is too frequent to cause the disease. Based on the score and internal cut-off values, a variant classified as benign is not then subjected to further curation. The score for this variant resulted in a classification of benign for this disease.